The following is an entry in ClinVar:

ClinVar aggregate classification (germline): Benign/Likely benign. Review status: criteria provided, multiple submitters, no conflicts (2 of 4 stars). 3 submissions from 3 submitters: Benign (1); Likely benign (1). 1 of the submissions does not count toward it. Last evaluated 2026-01-26.

Conditions:
Fraser syndrome 1 (FRASRS1). Also called: CRYPTOPHTHALMOS WITH OTHER MALFORMATIONS. Identifiers: Orphanet 2052, MedGen C4551480, MONDO:0054737, OMIM 219000.

Allele frequency attached by ClinVar (database versions not stated): gnomAD 0.00002 and 0.00015; TOPMed 0.00005; ESP Exome Variant Server 0.00008; gnomAD exomes 0.00041 and 0.00079; ExAC 0.00095; 1000 Genomes Project 30x 0.00125; 1000 Genomes Project 0.00160.

Submissions (3):

Labcorp Genetics (formerly Invitae), Labcorp
Classification: Benign. Last evaluated: 2026-01-26. Review status: criteria provided, single submitter. Criteria: Invitae Variant Classification Sherloc (09022015). Collection method: clinical testing. Allele origin: germline.

Illumina Laboratory Services, Illumina
Classification: Likely benign for Fraser syndrome 1. Last evaluated: 2018-01-12. Review status: criteria provided, single submitter. Criteria: ICSL Variant Classification Criteria 13 December 2019. Collection method: clinical testing. Allele origin: germline.
Comment: This variant was observed in the ICSL laboratory as part of a predisposition screen in an ostensibly healthy population. It had not been previously curated by ICSL or reported in the Human Gene Mutation Database (HGMD: prior to June 1st, 2018), and was therefore a candidate for classification through an automated scoring system. Utilizing variant allele frequency, disease prevalence and penetrance estimates, and inheritance mode, an automated score was calculated to assess if this variant is too frequent to cause the disease. Based on the score and internal cut-off values, a variant classified as likely benign is not then subjected to further curation. The score for this variant resulted in a classification of likely benign for this disease.

Genetic Services Laboratory, University of Chicago
Classification: Likely benign. Last evaluated: 2022-08-01. Review status: no assertion criteria provided. Collection method: clinical testing. Allele origin: germline. Affected: no. Not counted in ClinVar's aggregate classification.

NM_025074.7(FRAS1):c.11695C>T (p.Leu3899=)

Gene: FRAS1 (Fraser extracellular matrix complex subunit 1; plus strand). Cytogenetic location: 4q21.21.
Variant type: single nucleotide variant.
Coding change: c.11695C>T on transcript NM_025074.7 (MANE Select); coding-DNA position 11695, C replaced by T.
Protein change: p.Leu3899=; no amino-acid change (leucine 3899 retained).
Molecular consequence: synonymous variant.
Genome position (GRCh38, 1-based): chr4:78,540,780, C>T. VCF-style: chr4-78540780-C-T. GRCh37 (hg19) VCF-style: chr4-79461934-C-T.
Identifiers: ClinVar variation 905141 (VCV000905141.15), dbSNP rs367723684, ClinGen allele CA2979279.
Genomic context (GRCh38, chr4:78,540,780, plus strand): 5'-AATGGCACCAATATGAAGTCCCTGAATCTGGAGATGCAAGAGTTGGCGGTAGCTGCGTCC[C>T]TGTCACAGACTGGGGCGTCCATTGGCAGTGCCCTGGCTGCAATCATGCTTCTACTTCTGG-3'
Protein context (NP_079350.5, residues 3889-3909): EMQELAVAAS[Leu3899=]SQTGASIGSA